The following is an entry in ClinVar:

NM_000343.4(SLC5A1):c.1102A>G (p.Thr368Ala)

Gene: SLC5A1 (solute carrier family 5 member 1; plus strand). Cytogenetic location: 22q12.3.
Variant type: single nucleotide variant.
Coding change: c.1102A>G on transcript NM_000343.4 (MANE Select); coding-DNA position 1102, A replaced by G.
Protein change: p.Thr368Ala; replaces threonine 368 with alanine.
Molecular consequence: missense variant.
Genome position (GRCh38, 1-based): chr22:32,086,300, A>G. VCF-style: chr22-32086300-A-G. GRCh37 (hg19) VCF-style: chr22-32482287-A-G.
Other names: c.721A>G, p.Thr241Ala (NM_001256314.2); short protein forms T241A, T368A.
Identifiers: ClinVar variation 3675220 (VCV003675220.1).

ClinVar aggregate classification (germline): Uncertain significance (1 of 4 stars; one submission).

Conditions:
Congenital glucose-galactose malabsorption (GGM). Also called: DIARRHEA 16; MONOSACCHARIDE MALABSORPTION. Identifiers: Orphanet 35710, MedGen C0268186, MONDO:0011731, OMIM 606824.

gnomAD v4.1: 1 of 1,613,308 alleles (0.000062%); highest among the groups gnomAD compares: Non-Finnish European, 0.000085%; no homozygotes.

Submission:

Labcorp Genetics (formerly Invitae), Labcorp
Classification: Uncertain significance for Congenital glucose-galactose malabsorption. Last evaluated: 2024-11-04. Review status: criteria provided, single submitter. Criteria: Invitae Variant Classification Sherloc (09022015). Collection method: clinical testing. Allele origin: germline.
Comment: This sequence change replaces threonine, which is neutral and polar, with alanine, which is neutral and non-polar, at codon 368 of the SLC5A1 protein (p.Thr368Ala). This variant is not present in population databases (gnomAD no frequency). This variant has not been reported in the literature in individuals affected with SLC5A1-related conditions. Invitae Evidence Modeling of protein sequence and biophysical properties (such as structural, functional, and spatial information, amino acid conservation, physicochemical variation, residue mobility, and thermodynamic stability) has been performed for this missense variant. However, the output from this modeling did not meet the statistical confidence thresholds required to predict the impact of this variant on SLC5A1 protein function. In summary, the available evidence is currently insufficient to determine the role of this variant in disease. Therefore, it has been classified as a Variant of Uncertain Significance.